The following is an entry in ClinVar:

NM_002432.3(MNDA):c.359A>G (p.Asn120Ser)

Gene: MNDA (myeloid cell nuclear differentiation antigen; plus strand). Cytogenetic location: 1q23.1.
Variant type: single nucleotide variant.
Coding change: c.359A>G on transcript NM_002432.3 (MANE Select); coding-DNA position 359, A replaced by G.
Protein change: p.Asn120Ser; replaces asparagine 120 with serine.
Molecular consequence: missense variant.
Genome position (GRCh38, 1-based): chr1:158,843,372, A>G. VCF-style: chr1-158843372-A-G. GRCh37 (hg19) VCF-style: chr1-158813162-A-G.
Other names: short protein forms N120S.
Identifiers: ClinVar variation 1733041 (VCV001733041.3), dbSNP rs1011604935, ClinGen allele CA31303796.

ClinVar aggregate classification (germline): Uncertain significance (1 of 4 stars; one submission).

Submission:

Ambry Genetics
Classification: Uncertain significance. Last evaluated: 2024-10-06. Review status: criteria provided, single submitter. Criteria: Ambry Variant Classification Scheme 2023. Collection method: clinical testing. Allele origin: germline.
Comment: The p.N120S variant (also known as c.359A>G), located in coding exon 2 of the MNDA gene, results from an A to G substitution at nucleotide position 359. The asparagine at codon 120 is replaced by serine, an amino acid with highly similar properties. This amino acid position is conserved. In addition, this alteration is predicted to be tolerated by in silico analysis. Since supporting evidence is limited at this time, the clinical significance of this alteration remains unclear.